The following is an entry in ClinVar:

ClinVar aggregate classification (germline): Uncertain significance (1 of 4 stars; one submission).

Conditions:
Hereditary insensitivity to pain with anhidrosis (CIPA). Also called: FAMILIAL DYSAUTONOMIA, TYPE II; INSENSITIVITY TO PAIN, CONGENITAL, WITH ANHIDROSIS; NEUROPATHY, CONGENITAL SENSORY, WITH ANHIDROSIS; hereditary sensory and autonomic neuropathy type 4; HSAN Type IV; NTRK1 Congenital Insensitivity to Pain with Anhidrosis. Identifiers: Orphanet 642, MedGen C0020074, MONDO:0009746, OMIM 256800.

Allele frequency attached by ClinVar (database versions not stated): gnomAD exomes below 0.00001.
gnomAD v4.1: 1 of 1,579,962 alleles (0.000063%); highest among the groups gnomAD compares: Non-Finnish European, 0.000086%; no homozygotes.

Submission:

Labcorp Genetics (formerly Invitae), Labcorp
Classification: Uncertain significance for Hereditary insensitivity to pain with anhidrosis. Last evaluated: 2019-12-28. Review status: criteria provided, single submitter. Criteria: Invitae Variant Classification Sherloc (09022015). Collection method: clinical testing. Allele origin: germline.
Comment: In summary, the available evidence is currently insufficient to determine the role of this variant in disease. Therefore, it has been classified as a Variant of Uncertain Significance. Algorithms developed to predict the effect of missense changes on protein structure and function output the following: SIFT: "Tolerated"; PolyPhen-2: "Benign"; Align-GVGD: "Class C0". The threonine amino acid residue is found in multiple mammalian species, suggesting that this missense change does not adversely affect protein function. These predictions have not been confirmed by published functional studies and their clinical significance is uncertain. This variant has not been reported in the literature in individuals with NTRK1-related conditions. This variant is not present in population databases (ExAC no frequency). This sequence change replaces alanine with threonine at codon 65 of the NTRK1 protein (p.Ala65Thr). The alanine residue is moderately conserved and there is a small physicochemical difference between alanine and threonine.

NM_002529.4(NTRK1):c.193G>A (p.Ala65Thr)

Gene: NTRK1 (neurotrophic receptor tyrosine kinase 1; plus strand). Cytogenetic location: 1q23.1.
Variant type: single nucleotide variant.
Coding change: c.193G>A on transcript NM_002529.4 (MANE Select); coding-DNA position 193, G replaced by A.
Protein change: p.Ala65Thr; replaces alanine 65 with threonine.
Molecular consequence: missense variant. On other transcripts: intron variant (1).
Genome position (GRCh38, 1-based): chr1:156,861,127, G>A. VCF-style: chr1-156861127-G-A. GRCh37 (hg19) VCF-style: chr1-156830919-G-A.
Other names: c.193G>A, p.Ala65Thr (NM_001012331.2); c.123-3227G>A (NM_001007792.1); short protein forms A65T.
Identifiers: ClinVar variation 859767 (VCV000859767.10), dbSNP rs1655628449, ClinGen allele CA342930110.
Genomic context (GRCh38, chr1:156,861,127, plus strand): 5'-TCCTCGGGACTGCGATGCACCCGGGATGGGGCCCTGGATAGCCTCCACCACCTGCCCGGC[G>A]CAGAGAACCTGACTGAGCTGTGAGTGTCCGGCGGGCGGTGGGGGGGCGCGGGGACAGGCA-3'
Protein context (NP_002520.2, residues 55-75): ALDSLHHLPG[Ala65Thr]ENLTELYIEN